The following is an entry in ClinVar:

ClinVar aggregate classification (germline): Conflicting classifications of pathogenicity. Review status: criteria provided, conflicting classifications (1 of 4 stars). 4 submissions from 4 submitters: Uncertain significance (1); Likely benign (2). 1 of the submissions does not count toward it. Last evaluated 2025-12-03.

Conditions:
Alpha-methylacyl-CoA racemase deficiency (AMACRD). Also called: AMACR deficiency. Identifiers: Orphanet 79095, MedGen C3280428, MONDO:0013681, OMIM 614307. Disease mechanism: loss of function.
AMACR-related disorder. Also called: AMACR-Related Disorders; AMACR-related condition.

Allele frequency attached by ClinVar (database versions not stated): TOPMed below 0.00001; ExAC 0.00001; gnomAD 0.00001.
gnomAD v4.1: 21 of 1,611,556 alleles (0.0013%); highest among the groups gnomAD compares: East Asian, 0.0067%; no homozygotes.

Submissions (4):

Labcorp Genetics (formerly Invitae), Labcorp
Classification: Likely benign for Alpha-methylacyl-CoA racemase deficiency. Last evaluated: 2025-12-03. Review status: criteria provided, single submitter. Criteria: Invitae Variant Classification Sherloc (09022015). Collection method: clinical testing. Allele origin: germline.

Blueprint Genetics
Classification: Likely benign. Last evaluated: 2024-06-05. Review status: criteria provided, single submitter. Criteria: ACMG Guidelines, 2015. Collection method: clinical testing. Allele origin: germline.

Eurofins Ntd Llc (ga)
Classification: Uncertain significance. Last evaluated: 2018-06-29. Review status: criteria provided, single submitter. Criteria: EGL ClinVar v180209 classification definitions. Collection method: clinical testing. Allele origin: germline. Observed: 1 variant allele, 1 heterozygote.

PreventionGenetics, part of Exact Sciences
Classification: Likely benign for AMACR-related condition. Last evaluated: 2020-02-14. Review status: no assertion criteria provided. Collection method: clinical testing. Allele origin: germline. Not counted in ClinVar's aggregate classification.
Comment: This variant is classified as likely benign based on ACMG/AMP sequence variant interpretation guidelines (Richards et al. 2015 PMID: 25741868, with internal and published modifications).

NM_014324.6(AMACR):c.714C>G (p.Pro238=)

Genes: AMACR (alpha-methylacyl-CoA racemase; minus strand), C1QTNF3-AMACR (C1QTNF3-AMACR readthrough (NMD candidate); minus strand). Cytogenetic location: 5p13.2.
Variant type: single nucleotide variant.
Coding change: c.714C>G on transcript NM_014324.6 (MANE Select); coding-DNA position 714, C replaced by G.
Protein change: p.Pro238=; no amino-acid change (proline 238 retained).
Molecular consequence: synonymous variant. On other transcripts: non-coding transcript variant (1), missense variant (1).
Genome position (GRCh38, 1-based): chr5:33,998,666, G>C on the plus strand (C>G on the coding strand, the complement: AMACR is on the minus strand). VCF-style: chr5-33998666-G-C. GRCh37 (hg19) VCF-style: chr5-33998771-G-C.
Other names: c.714C>G, p.Pro238= (NM_001167595.2); c.553C>G, p.Pro185Ala (NM_203382.3); c.553C>G (NM_203382.2); short protein forms P185A.
Identifiers: ClinVar variation 597870 (VCV000597870.16), dbSNP rs200824585, ClinGen allele CA3226138.